The following is an entry in ClinVar:

ClinVar aggregate classification (germline): Pathogenic. Review status: criteria provided, multiple submitters, no conflicts (2 of 4 stars). 4 submissions from 4 submitters: Pathogenic (4). Last evaluated 2023-09-22.

Conditions:
KBG syndrome (KBGS). Also called: ANKRD11-Related KBG Syndrome. Identifiers: Orphanet 2332, MedGen C0220687, MONDO:0007846, OMIM 148050.

Submissions (4):

GeneDx
Classification: Pathogenic. Last evaluated: 2023-09-22. Review status: criteria provided, single submitter. Criteria: GeneDx Variant Classification Process June 2021. Collection method: clinical testing. Allele origin: germline. Affected: yes.
Comment: Frameshift variant predicted to result in protein truncation or nonsense mediated decay in a gene for which loss of function is a known mechanism of disease; Not observed at significant frequency in large population cohorts (gnomAD); This variant is associated with the following publications: (PMID: 33144682, 35970914)

Illumina Laboratory Services, Illumina
Classification: Pathogenic for KBG syndrome. Last evaluated: 2022-12-21. Review status: criteria provided, single submitter. Criteria: ICSLVariantClassificationCriteria RUGD 01 April 2020. Collection method: clinical testing. Allele origin: unknown.
Comment: The ANKRD11 c.2404_2407del (p.Leu802LysfsTer60) variant results in the deletion of four nucleotides at position c. 2404-2407, causing a shift in the protein reading frame that is predicted to result in premature termination of the protein. Loss of normal protein function through either protein truncation or nonsense-mediated mRNA decay is expected. This variant has been reported in one affected individual in a de novo state, however clinical details were not specified (PMID: 33144682). This variant is not found in version 2.1.1 or version 3.1.2 of the Genome Aggregation Database. This variant was identified in a de novo state. Based on the available evidence, the c.2404_2407del (p.Leu802LysfsTer60) variant is classified pathogenic for KBG syndrome.

Mayo Clinic Laboratories, Mayo Clinic
Classification: Pathogenic for KBG syndrome. Last evaluated: 2017-03-16. Review status: criteria provided, single submitter. Criteria: ACMG Guidelines, 2015. Collection method: clinical testing. Allele origin: de novo.

Genome Medicine, Institute for Basic Research in Developmental Disabilities
Classification: Pathogenic for KBG syndrome. Review status: criteria provided, single submitter. Criteria: ACMG Guidelines, 2015. Collection method: clinical testing. Allele origin: de novo. Affected: yes. Observed: 1 variant allele.

Literature cited by the submitters: PubMed 33144682 (cited by Illumina Laboratory Services, Illumina); PubMed 35970914 (cited by Genome Medicine, Institute for Basic Research in Developmental Disabilities).

NM_013275.6(ANKRD11):c.2404_2407del (p.Leu802fs)

Gene: ANKRD11 (ankyrin repeat domain 11; minus strand). Cytogenetic location: 16q24.3.
Variant type: Deletion.
Coding change: c.2404_2407del on transcript NM_013275.6 (MANE Select); coding-DNA positions 2404 to 2407, 4 bases deleted (CTCA; older notation c.2404_2407delCTCA).
Protein change: p.Leu802fs; shifts the reading frame from leucine 802.
Molecular consequence: frameshift variant.
Genome position (GRCh38, 1-based): chr16:89,284,135-89,284,138, TGAG deleted on the plus strand (CTCA on the coding strand, the reverse complement: ANKRD11 is on the minus strand); deleting any 4 consecutive bases within chr16:89,284,135-89,284,139 gives the same sequence; the c. name uses the placement nearest the transcript's 3' end. VCF-style (leftmost placement, unchanged base first): chr16-89284134-TTGAG-T. GRCh37 (hg19) VCF-style: chr16-89350542-TTGAG-T.
Other names: c.2404_2407del, p.Leu802fs (NM_001256182.2, NM_001256183.2); c.2404_2407del (NM_013275.5); short protein forms L802fs.
Identifiers: ClinVar variation 547949 (VCV000547949.9), dbSNP rs1555529181, ClinGen allele CA658825069.